The following is an entry in ClinVar:

NM_001035.3(RYR2):c.1476+4C>T

Gene: RYR2 (ryanodine receptor 2; plus strand). Cytogenetic location: 1q43.
Variant type: single nucleotide variant.
Coding change: c.1476+4C>T on transcript NM_001035.3 (MANE Select); 4 bases into the intron after coding-DNA position 1476, C replaced by T.
Molecular consequence: intron variant.
Genome position (GRCh38, 1-based): chr1:237,454,578, C>T. VCF-style: chr1-237454578-C-T. GRCh37 (hg19) VCF-style: chr1-237617878-C-T.
Identifiers: ClinVar variation 43747 (VCV000043747.57), dbSNP rs369442980, ClinGen allele CA008377.

ClinVar aggregate classification (germline): Conflicting classifications of pathogenicity. Review status: criteria provided, conflicting classifications (1 of 4 stars). 12 submissions from 12 submitters: Uncertain significance (2); Likely benign (8). 2 of the submissions do not count toward it. Last evaluated 2026-07-01.

Conditions:
Cardiovascular phenotype. Identifiers: MedGen CN230736.
Cardiomyopathy (CMYO). Also called: Cardiomyopathies. Identifiers: Orphanet 167848, MedGen C0878544, MONDO:0004994, HP:0001638. Inheritance: Various modes of inheritance.
Catecholaminergic polymorphic ventricular tachycardia 1. Also called: RYR2-Related Catecholaminergic Polymorphic Ventricular Tachycardia; VENTRICULAR TACHYCARDIA, STRESS-INDUCED POLYMORPHIC 1; VENTRICULAR TACHYCARDIA, CATECHOLAMINERGIC POLYMORPHIC, 1, WITH OR WITHOUT ATRIAL DYSFUNCTION AND/OR DILATED CARDIOMYOPATHY. Identifiers: Orphanet 3286, MedGen C1631597, MONDO:0011484, OMIM 604772.

Allele frequency attached by ClinVar (database versions not stated): 1000 Genomes Project 30x 0.00016; gnomAD exomes 0.00016; 1000 Genomes Project 0.00020; ESP Exome Variant Server 0.00008; gnomAD 0.00014; TOPMed 0.00015; ExAC 0.00017.
gnomAD v4.1: 337 of 1,611,920 alleles (0.021%); highest among the groups gnomAD compares: Non-Finnish European, 0.025%; no homozygotes.

Submissions (12):

CeGaT Center for Human Genetics Tuebingen
Classification: Likely benign. Last evaluated: 2026-07-01. Review status: criteria provided, single submitter. Criteria: CeGaT Center For Human Genetics Tuebingen Variant Classification Criteria Version 2. Collection method: clinical testing. Allele origin: germline. Affected: yes. Observed: 7 variant alleles.
Comment: RYR2: BP4

ARUP Laboratories, Molecular Genetics and Genomics, ARUP Laboratories
Classification: Likely benign. Last evaluated: 2025-06-23. Review status: criteria provided, single submitter. Criteria: ARUP Molecular Germline Variant Investigation Process 2024. Collection method: clinical testing. Allele origin: germline.

Ambry Genetics
Classification: Likely benign for Cardiovascular phenotype. Last evaluated: 2024-12-06. Review status: criteria provided, single submitter. Criteria: Ambry Variant Classification Scheme 2023. Collection method: clinical testing. Allele origin: germline.

Blueprint Genetics
Classification: Likely benign. Last evaluated: 2024-11-22. Review status: criteria provided, single submitter. Criteria: ACMG Guidelines, 2015. Collection method: clinical testing. Allele origin: germline.

Labcorp Genetics (formerly Invitae), Labcorp
Classification: Uncertain significance for Catecholaminergic polymorphic ventricular tachycardia 1. Last evaluated: 2024-01-05. Review status: criteria provided, single submitter. Criteria: Invitae Variant Classification Sherloc (09022015). Collection method: clinical testing. Allele origin: germline.
Comment: This sequence change falls in intron 15 of the RYR2 gene. It does not directly change the encoded amino acid sequence of the RYR2 protein. It affects a nucleotide within the consensus splice site. This variant is present in population databases (rs369442980, gnomAD 0.06%). This variant has been observed in individual(s) with arrhythmogenic right ventricular cardiomyopathy (Invitae). ClinVar contains an entry for this variant (Variation ID: 43747). Variants that disrupt the consensus splice site are a relatively common cause of aberrant splicing (PMID: 17576681, 9536098). Algorithms developed to predict the effect of sequence changes on RNA splicing suggest that this variant is not likely to affect RNA splicing. In summary, the available evidence is currently insufficient to determine the role of this variant in disease. Therefore, it has been classified as a Variant of Uncertain Significance.

Color Diagnostics, LLC DBA Color Health
Classification: Likely benign for Cardiomyopathy. Last evaluated: 2023-04-06. Review status: criteria provided, single submitter. Criteria: ACMG Guidelines, 2015. Collection method: clinical testing. Allele origin: germline.

Women's Health and Genetics/Laboratory Corporation of America, LabCorp
Classification: Likely benign. Last evaluated: 2022-03-28. Review status: criteria provided, single submitter. Criteria: LabCorp Variant Classification Summary - May 2015. Collection method: clinical testing. Allele origin: germline.
Comment: Variant summary: RYR2 c.1476+4C>T alters a non-conserved nucleotide located close to a canonical splice site and therefore could affect mRNA splicing, leading to a significantly altered protein sequence. 4/4 computational tools predict no significant impact on normal splicing. However, these predictions have yet to be confirmed by functional studies. The variant allele was found at a frequency of 0.00016 in 246228 control chromosomes. The observed variant frequency is approximately 4.61 fold of the estimated maximal expected allele frequency for a pathogenic variant in RYR2 causing Catecholaminergic Polymorphic Ventricular Tachycardia phenotype (3.4e-05), strongly suggesting that the variant is benign. c.1476+4C>T has been reported in the literature in individuals affected with HCM in a patient who also carried a MYBPC3 variant that could explain the disease in the patient (Mademont-Soler_2017). This report does not provide unequivocal conclusions about association of the variant with Catecholaminergic Polymorphic Ventricular Tachycardia. To our knowledge, no experimental evidence demonstrating an impact on protein function has been reported. Four clinical diagnostic laboratories have submitted clinical-significance assessments for this variant to ClinVar after 2014 without evidence for independent evaluation. All laboratories classified the variant as uncertain significance. Based on the evidence outlined above, the variant was classified as likely benign.

CHEO Genetics Diagnostic Laboratory, Children's Hospital of Eastern Ontario
Classification: Likely benign for Cardiomyopathy. Last evaluated: 2021-06-02. Review status: criteria provided, single submitter. Criteria: ACMG Guidelines, 2015. Collection method: clinical testing. Allele origin: germline.

GeneDx
Classification: Likely benign. Last evaluated: 2021-05-04. Review status: criteria provided, single submitter. Criteria: GeneDx Variant Classification Process June 2021. Collection method: clinical testing. Allele origin: germline. Affected: yes.

Laboratory for Molecular Medicine, Mass General Brigham Personalized Medicine
Classification: Uncertain significance. Last evaluated: 2013-04-17. Review status: criteria provided, single submitter. Criteria: LMM Criteria. Collection method: clinical testing. Allele origin: germline. Observed: 2 variant alleles.
Comment: This variant is located i n the 5' splice region. Computational tools do not suggest an impact to splicing . However, this information is not predictive enough to rule out pathogenicity. Additional studies are needed to fully assess its clinical significance.

Clinical Genetics DNA and cytogenetics Diagnostics Lab, Erasmus MC, Erasmus Medical Center
Classification: Likely benign. Review status: no assertion criteria provided. Collection method: clinical testing. Allele origin: germline. Affected: yes. Study: VKGL Data-share Consensus. Not counted in ClinVar's aggregate classification.

Genome Diagnostics Laboratory, University Medical Center Utrecht
Classification: Likely benign. Review status: no assertion criteria provided. Collection method: clinical testing. Allele origin: germline. Affected: yes. Study: VKGL Data-share Consensus. Not counted in ClinVar's aggregate classification.

Literature cited by the submitters: PubMed 28404607 (cited by Ambry Genetics and Women's Health and Genetics/Laboratory Corporation of America, LabCorp); PubMed 28771489 (cited by Ambry Genetics and Women's Health and Genetics/Laboratory Corporation of America, LabCorp); PubMed 17576681 (cited by Labcorp Genetics (formerly Invitae), Labcorp); PubMed 9536098 (cited by Labcorp Genetics (formerly Invitae), Labcorp).